The following is an entry in ClinVar:

NC_000016.10:g.67660300del

Gene: ACD (ACD shelterin complex subunit and telomerase recruitment factor; minus strand). Cytogenetic location: 16q22.1.
Variant type: Deletion.
Genome position: GRCh38 VCF-style: chr16-67660298-GA-G. GRCh37 (hg19) VCF-style: chr16-67694201-GA-G.
Identifiers: ClinVar variation 1497755 (VCV001497755.7), dbSNP rs2142976499, ClinGen allele CA2573152566.
Genomic context (GRCh38, chr16:67,660,298, plus strand): 5'-GCGGATGCAACGGGCCCGGGTTTCCCGCGGGCGCCCAGGCCCCGCCTTTCCTCGGAAGAG[GA>G]AGCTCCTTCGCTGGGCGGGGCCGGAGGAGGAGGCCCCGCCCACGTACACCCCGCGCCTGC-3'

ClinVar aggregate classification (germline): Uncertain significance (1 of 4 stars; one submission).

Conditions:
Dyskeratosis congenita, autosomal dominant 6 (DKCA6). Identifiers: Orphanet 3322, MedGen C4225284, MONDO:0014690, OMIM 616553.

Submission:

Labcorp Genetics (formerly Invitae), Labcorp
Classification: Uncertain significance for Dyskeratosis congenita, autosomal dominant 6. Last evaluated: 2024-02-24. Review status: criteria provided, single submitter. Criteria: Invitae Variant Classification Sherloc (09022015). Collection method: clinical testing. Allele origin: germline.
Comment: This sequence change creates a premature translational stop signal (p.Pro61Leufs*23) in the ACD gene. It is expected to result in an absent or disrupted protein product. However, the current clinical and genetic evidence is not sufficient to establish whether loss-of-function variants in ACD cause disease. This variant is not present in population databases (gnomAD no frequency). This variant has not been reported in the literature in individuals affected with ACD-related conditions. ClinVar contains an entry for this variant (Variation ID: 1497755). Experimental studies and prediction algorithms are not available or were not evaluated, and the functional significance of this variant is currently unknown. In summary, the available evidence is currently insufficient to determine the role of this variant in disease. Therefore, it has been classified as a Variant of Uncertain Significance.